The following is an entry in ClinVar:

NM_018137.3(PRMT6):c.36G>C (p.Gly12=)

Gene: PRMT6 (protein arginine methyltransferase 6; plus strand). Cytogenetic location: 1p13.3.
Variant type: single nucleotide variant.
Coding change: c.36G>C on transcript NM_018137.3 (MANE Select); coding-DNA position 36, G replaced by C.
Protein change: p.Gly12=; no amino-acid change (glycine 12 retained).
Molecular consequence: synonymous variant.
Genome position (GRCh38, 1-based): chr1:107,056,751, G>C. VCF-style: chr1-107056751-G-C. GRCh37 (hg19) VCF-style: chr1-107599373-G-C.
Identifiers: ClinVar variation 3046267 (VCV003046267.2), dbSNP rs543007352, ClinGen allele CA977199.

ClinVar aggregate classification (germline): Likely benign (0 of 4 stars; one submission).

Conditions:
PRMT6-related disorder. Also called: PRMT6-related condition.

Allele frequency attached by ClinVar (database versions not stated): gnomAD exomes 0.00003; ExAC 0.00038; TOPMed 0.00058; 1000 Genomes Project 0.00120; 1000 Genomes Project 30x 0.00156.

Submission:

PreventionGenetics, part of Exact Sciences
Classification: Likely benign for PRMT6-related condition. Last evaluated: 2019-11-14. Review status: no assertion criteria provided. Collection method: clinical testing. Allele origin: germline.
Comment: This variant is classified as likely benign based on ACMG/AMP sequence variant interpretation guidelines (Richards et al. 2015 PMID: 25741868, with internal and published modifications).